The following is an entry in ClinVar:

NM_002474.3(MYH11):c.2026G>A (p.Val676Met)

Gene: MYH11 (myosin heavy chain 11; minus strand). Cytogenetic location: 16p13.11.
Variant type: single nucleotide variant.
Coding change: c.2026G>A on transcript NM_002474.3 (MANE Select); coding-DNA position 2026, G replaced by A.
Protein change: p.Val676Met; replaces valine 676 with methionine.
Molecular consequence: missense variant.
Genome position (GRCh38, 1-based): chr16:15,750,170, C>T on the plus strand (G>A on the coding strand, the complement: MYH11 is on the minus strand). VCF-style: chr16-15750170-C-T. GRCh37 (hg19) VCF-style: chr16-15844027-C-T.
Other names: c.2026G>A, p.Val676Met (NM_022844.3); c.2047G>A, p.Val683Met (NM_001040114.2, NM_001040113.2); c.2026G>A (NM_002474.2); short protein forms V676M, V683M.
Identifiers: ClinVar variation 3074244 (VCV003074244.3), dbSNP rs926424189, ClinGen allele CA278638515.
Genomic context (GRCh38, chr16:15,750,170, plus strand): 5'-GCCCCAGGGTCTGGGCGGCGGGCCTCACCCTCTTCTCGTGGTTGGGGATGATGCAGCGCA[C>T]GAAGTTGGGCGTGGTGTTGCGTAGCGTGGTCATCAGCTTGCCCAGCTGCTCCTTGTACAG-3'
Protein context (NP_002465.1, residues 666-686): TTLRNTTPNF[Val676Met]RCIIPNHEKR

ClinVar aggregate classification (germline): Uncertain significance. Review status: criteria provided, multiple submitters, no conflicts (2 of 4 stars). 3 submissions from 3 submitters: Uncertain significance (3). Last evaluated 2025-08-23.

Conditions:
Familial thoracic aortic aneurysm and aortic dissection (TAAD). Also called: Thoracic aortic aneurysms and dissections. Identifiers: Orphanet 91387, MedGen C4707243, MONDO:0019625.

Allele frequency attached by ClinVar (database versions not stated): gnomAD exomes below 0.00001; gnomAD 0.00001; TOPMed 0.00002.
gnomAD v4.1: 4 of 1,614,098 alleles (0.00025%); highest among the groups gnomAD compares: African/African-American, 0.0027%; no homozygotes.

Submissions (3):

Ambry Genetics
Classification: Uncertain significance for Familial thoracic aortic aneurysm and aortic dissection. Last evaluated: 2025-08-23. Review status: criteria provided, single submitter. Criteria: Ambry Variant Classification Scheme 2023. Collection method: clinical testing. Allele origin: germline.

Color Diagnostics, LLC DBA Color Health
Classification: Uncertain significance for Familial thoracic aortic aneurysm and aortic dissection. Last evaluated: 2025-06-09. Review status: criteria provided, single submitter. Criteria: ACMG Guidelines, 2015. Collection method: clinical testing. Allele origin: germline.
Comment: This missense variant replaces valine with methionine at codon 683 of the MYH11 protein. Computational prediction suggests that this variant may have deleterious impact on protein structure and function. To our knowledge, functional studies have not been reported for this variant. This variant has not been reported in individuals affected with MYH11-related disorders in the literature. This variant has not been identified in the general population by the Genome Aggregation Database (gnomAD). The available evidence is insufficient to determine the role of this variant in disease conclusively. Therefore, this variant is classified as a Variant of Uncertain Significance.

All of Us Research Program, National Institutes of Health
Classification: Uncertain significance for Familial thoracic aortic aneurysm and aortic dissection. Last evaluated: 2023-12-01. Review status: criteria provided, single submitter. Criteria: ACMG Guidelines, 2015. Collection method: clinical testing. Allele origin: germline. Inheritance: Autosomal dominant inheritance. Observed: 1 variant allele, 1 heterozygote.
Comment: This study involves interpretation of variants in research participants for the purpose of population health screening. Participant phenotype was not available at the time of variant classification. Additional details can be found in publication PMID: 35346344, PMCID: PMC8962531